The following is an entry in ClinVar:

NM_001144967.3(NEDD4L):c.490A>G (p.Ser164Gly)

Gene: NEDD4L (NEDD4 like E3 ubiquitin protein ligase; plus strand). Cytogenetic location: 18q21.31.
Variant type: single nucleotide variant.
Coding change: c.490A>G on transcript NM_001144967.3 (MANE Select); coding-DNA position 490, A replaced by G.
Protein change: p.Ser164Gly; replaces serine 164 with glycine.
Molecular consequence: missense variant.
Genome position (GRCh38, 1-based): chr18:58,323,311, A>G. VCF-style: chr18-58323311-A-G. GRCh37 (hg19) VCF-style: chr18-55990543-A-G.
Other names: c.127A>G, p.Ser43Gly (NM_001144964.1, NM_001144965.2, NM_001144966.3 and 2 more transcripts); c.466A>G, p.Ser156Gly (NM_001144968.2, NM_001144969.2); c.490A>G, p.Ser164Gly (NM_001243960.2, NM_015277.6); short protein forms S156G, S164G, S43G.
Identifiers: ClinVar variation 1008921 (VCV001008921.8), dbSNP rs2059012277, ClinGen allele CA402552174.
Genomic context (GRCh38, chr18:58,323,311, plus strand): 5'-GGATTTTTGCGATTGAAAATGGCCTATATGCCAAAAAATGGAGGTCAAGATGAAGAAAAC[A>G]GTGACCAGAGGGATGACATGGAGGTACGTGGAGGGCGTCAGGCCTCTCTCCTTGCCTTGA-3'
Protein context (NP_001138439.1, residues 154-174): PKNGGQDEEN[Ser164Gly]DQRDDMEHGW

ClinVar aggregate classification (germline): Uncertain significance (1 of 4 stars; one submission).

Submission:

Labcorp Genetics (formerly Invitae), Labcorp
Classification: Uncertain significance. Last evaluated: 2024-04-13. Review status: criteria provided, single submitter. Criteria: Invitae Variant Classification Sherloc (09022015). Collection method: clinical testing. Allele origin: germline.
Comment: This sequence change replaces serine, which is neutral and polar, with glycine, which is neutral and non-polar, at codon 164 of the NEDD4L protein (p.Ser164Gly). This variant is not present in population databases (gnomAD no frequency). This variant has not been reported in the literature in individuals affected with NEDD4L-related conditions. ClinVar contains an entry for this variant (Variation ID: 1008921). Advanced modeling of protein sequence and biophysical properties (such as structural, functional, and spatial information, amino acid conservation, physicochemical variation, residue mobility, and thermodynamic stability) performed at Invitae indicates that this missense variant is not expected to disrupt NEDD4L protein function with a negative predictive value of 80%. In summary, the available evidence is currently insufficient to determine the role of this variant in disease. Therefore, it has been classified as a Variant of Uncertain Significance.